The following is an entry in ClinVar:

NM_012431.3(SEMA3E):c.1144T>C (p.Cys382Arg)

Gene: SEMA3E (semaphorin 3E; minus strand). Cytogenetic location: 7q21.11.
Variant type: single nucleotide variant.
Coding change: c.1144T>C on transcript NM_012431.3 (MANE Select); coding-DNA position 1144, T replaced by C.
Protein change: p.Cys382Arg; replaces cysteine 382 with arginine.
Molecular consequence: missense variant.
Genome position (GRCh38, 1-based): chr7:83,400,250, A>G on the plus strand (T>C on the coding strand, the complement: SEMA3E is on the minus strand). VCF-style: chr7-83400250-A-G. GRCh37 (hg19) VCF-style: chr7-83029566-A-G.
Other names: c.964T>C, p.Cys322Arg (NM_001178129.2); c.1144T>C (NM_012431.2); short protein forms C322R, C382R.
Identifiers: ClinVar variation 1053941 (VCV001053941.10), dbSNP rs200162096, ClinGen allele CA161167150.

ClinVar aggregate classification (germline): Uncertain significance. Review status: criteria provided, multiple submitters, no conflicts (2 of 4 stars). 2 submissions from 2 submitters: Uncertain significance (2). Last evaluated 2026-06-16.

Conditions:
CHARGE syndrome (CHARGE). Also called: Hittner Hirsch Kreh syndrome; CHARGE ASSOCIATION--COLOBOMA, HEART ANOMALY, CHOANAL ATRESIA, RETARDATION, GENITAL AND EAR ANOMALIES; Coloboma, heart anomaly, choanal atresia, retardation, genital and ear anomalies; CHARGE association; Hall-Hittner syndrome. Identifiers: Orphanet 138, MedGen C0265354, MONDO:0008965.
SEMA3E-related disorder. Also called: SEMA3E-related condition.

Allele frequency attached by ClinVar (database versions not stated): gnomAD exomes below 0.00001 and 0.00002; gnomAD 0.00001; TOPMed 0.00001.
gnomAD v4.1: 26 of 1,613,628 alleles (0.0016%); highest among the groups gnomAD compares: Non-Finnish European, 0.0022%; no homozygotes.

Submissions (2):

PreventionGenetics, part of Exact Sciences
Classification: Uncertain significance for SEMA3E-related condition. Last evaluated: 2026-06-16. Review status: criteria provided, single submitter. Criteria: ACMG Guidelines, 2015. Collection method: clinical testing. Allele origin: germline.
Comment: The SEMA3E c.1144T>C variant is predicted to result in the amino acid substitution p.Cys382Arg. To our knowledge, this variant has not been reported in the literature. This variant is reported in 0.00088% of alleles in individuals of European (Non-Finnish) descent in gnomAD. At this time, the clinical significance of this variant is uncertain due to the absence of conclusive functional and genetic evidence.

Labcorp Genetics (formerly Invitae), Labcorp
Classification: Uncertain significance for CHARGE syndrome. Last evaluated: 2025-07-02. Review status: criteria provided, single submitter. Criteria: Invitae Variant Classification Sherloc (09022015). Collection method: clinical testing. Allele origin: germline.
Comment: This sequence change replaces cysteine, which is neutral and slightly polar, with arginine, which is basic and polar, at codon 382 of the SEMA3E protein (p.Cys382Arg). This variant is present in population databases (rs200162096, gnomAD 0.0009%). This variant has not been reported in the literature in individuals affected with SEMA3E-related conditions. ClinVar contains an entry for this variant (Variation ID: 1053941). An algorithm developed to predict the effect of missense changes on protein structure and function (PolyPhen-2) suggests that this variant is likely to be disruptive. In summary, the available evidence is currently insufficient to determine the role of this variant in disease. Therefore, it has been classified as a Variant of Uncertain Significance.